The following is an entry in ClinVar:

ClinVar aggregate classification (germline): Uncertain significance. Review status: criteria provided, multiple submitters, no conflicts (2 of 4 stars). 2 submissions from 2 submitters: Uncertain significance (2). Last evaluated 2021-09-19.

Conditions:
Charcot-Marie-Tooth disease recessive intermediate C. Also called: CHARCOT-MARIE-TOOTH NEUROPATHY, RECESSIVE INTERMEDIATE C. Identifiers: Orphanet 369867, MedGen C3809309, MONDO:0014154, OMIM 615376.
Neuronopathy, distal hereditary motor, autosomal recessive 4. Also called: Autosomal recessive lower motor neuron disease with childhood onset; NEUROPATHY, DISTAL HEREDITARY MOTOR, AUTOSOMAL RECESSIVE 4. Identifiers: Orphanet 206580, MedGen C1970211, MONDO:0012608, OMIM 611067.

Allele frequency attached by ClinVar (database versions not stated): gnomAD exomes below 0.00001 and 0.00001; gnomAD 0.00001 and 0.00002; ExAC 0.00002; TOPMed 0.00002.

Submissions (2):

Fulgent Genetics
Classification: Uncertain significance for Neuronopathy, distal hereditary motor, autosomal recessive 4; Charcot-Marie-Tooth disease recessive intermediate C. Last evaluated: 2021-09-19. Review status: criteria provided, single submitter. Criteria: ACMG Guidelines, 2015. Collection method: clinical testing. Allele origin: unknown.

Labcorp Genetics (formerly Invitae), Labcorp
Classification: Uncertain significance for Neuronopathy, distal hereditary motor, autosomal recessive 4; Charcot-Marie-Tooth disease recessive intermediate C. Last evaluated: 2021-04-13. Review status: criteria provided, single submitter. Criteria: Invitae Variant Classification Sherloc (09022015). Collection method: clinical testing. Allele origin: germline.
Comment: This variant has not been reported in the literature in individuals with PLEKHG5-related conditions. This variant is present in population databases (rs112657733, ExAC 0.009%). This sequence change replaces tryptophan with glycine at codon 299 of the PLEKHG5 protein (p.Trp299Gly). The tryptophan residue is moderately conserved and there is a large physicochemical difference between tryptophan and glycine. Algorithms developed to predict the effect of missense changes on protein structure and function are either unavailable or do not agree on the potential impact of this missense change (SIFT: "Deleterious"; PolyPhen-2: "Probably Damaging"; Align-GVGD: "Class C0"). In summary, the available evidence is currently insufficient to determine the role of this variant in disease. Therefore, it has been classified as a Variant of Uncertain Significance.

NM_020631.6(PLEKHG5):c.895T>G (p.Trp299Gly)

Gene: PLEKHG5 (pleckstrin homology and RhoGEF domain containing G5; minus strand). Cytogenetic location: 1p36.31.
Variant type: single nucleotide variant.
Coding change: c.895T>G on transcript NM_020631.6 (MANE Select); coding-DNA position 895, T replaced by G.
Protein change: p.Trp299Gly; replaces tryptophan 299 with glycine.
Molecular consequence: missense variant.
Genome position (GRCh38, 1-based): chr1:6,473,075, A>C on the plus strand (T>G on the coding strand, the complement: PLEKHG5 is on the minus strand). VCF-style: chr1-6473075-A-C. GRCh37 (hg19) VCF-style: chr1-6533135-A-C.
Other names: c.1006T>G, p.Trp336Gly (NM_001042663.3, NM_001265592.2); c.895T>G, p.Trp299Gly (NM_001042664.2, NM_001042665.2, NM_001265594.3 and 1 more transcripts); c.1102T>G, p.Trp368Gly (NM_001265593.2); short protein forms W299G, W368G, W336G.
Identifiers: ClinVar variation 857332 (VCV000857332.11), dbSNP rs112657733, ClinGen allele CA561716.